The following is an entry in ClinVar:

ClinVar aggregate classification (germline): Uncertain significance (1 of 4 stars; one submission).

Allele frequency attached by ClinVar (database versions not stated): gnomAD exomes below 0.00001.
gnomAD v4.1: 1 of 1,573,418 alleles (0.000064%); highest among the groups gnomAD compares: Non-Finnish European, 0.000086%; no homozygotes.

Submission:

Labcorp Genetics (formerly Invitae), Labcorp
Classification: Uncertain significance. Last evaluated: 2022-04-02. Review status: criteria provided, single submitter. Criteria: Invitae Variant Classification Sherloc (09022015). Collection method: clinical testing. Allele origin: germline.
Comment: Algorithms developed to predict the effect of missense changes on protein structure and function are either unavailable or do not agree on the potential impact of this missense change (SIFT: "Deleterious"; PolyPhen-2: "Benign"; Align-GVGD: "Class C0"). In summary, the available evidence is currently insufficient to determine the role of this variant in disease. Therefore, it has been classified as a Variant of Uncertain Significance. This variant is present in population databases (no rsID available, gnomAD 0.001%). This sequence change replaces proline, which is neutral and non-polar, with serine, which is neutral and polar, at codon 425 of the EXOSC9 protein (p.Pro425Ser). This variant has not been reported in the literature in individuals affected with EXOSC9-related conditions.

NM_005033.3(EXOSC9):c.1222C>T (p.Pro408Ser)

Gene: EXOSC9 (exosome component 9; plus strand). Cytogenetic location: 4q27.
Variant type: single nucleotide variant.
Coding change: c.1222C>T on transcript NM_005033.3 (MANE Select); coding-DNA position 1222, C replaced by T.
Protein change: p.Pro408Ser; replaces proline 408 with serine.
Molecular consequence: missense variant.
Genome position (GRCh38, 1-based): chr4:121,816,434, C>T. VCF-style: chr4-121816434-C-T. GRCh37 (hg19) VCF-style: chr4-122737589-C-T.
Other names: c.1273C>T, p.Pro425Ser (NM_001034194.2); short protein forms P408S, P425S.
Identifiers: ClinVar variation 2087575 (VCV002087575.4), dbSNP rs1396260636, ClinGen allele CA358047096.